The following is an entry in ClinVar:

ClinVar aggregate classification (germline): Uncertain significance. Review status: criteria provided, multiple submitters, no conflicts (2 of 4 stars). 4 submissions from 4 submitters: Uncertain significance (4). Last evaluated 2025-05-24.

Conditions:
Cardiovascular phenotype. Identifiers: MedGen CN230736.
Arrhythmogenic right ventricular dysplasia 8 (ARVD8). Also called: Arrhythmogenic Right Ventricular Dysplasia/Cardiomyopathy 8; ARRHYTHMOGENIC RIGHT VENTRICULAR CARDIOMYOPATHY 8; ARRHYTHMOGENIC RIGHT VENTRICULAR DYSPLASIA, FAMILIAL, 8. Identifiers: MedGen C1843896, MONDO:0011831, OMIM 607450.
Arrhythmogenic cardiomyopathy with wooly hair and keratoderma. Also called: Arrhythmogenic cardiomyopathy with woolly hair and keratoderma; Carvajal syndrome; PALMOPLANTAR KERATODERMA WITH LEFT VENTRICULAR CARDIOMYOPATHY AND WOOLLY HAIR; Dilated cardiomyopathy with woolly hair and keratoderma. Identifiers: Orphanet 65282, MedGen C1854063, MONDO:0011581, OMIM 605676.
Cardiomyopathy (CMYO). Also called: Cardiomyopathies. Identifiers: Orphanet 167848, MedGen C0878544, MONDO:0004994, HP:0001638. Inheritance: Various modes of inheritance.

Allele frequency attached by ClinVar (database versions not stated): gnomAD exomes below 0.00001; TOPMed below 0.00001; gnomAD 0.00001.
gnomAD v4.1: 6 of 1,613,946 alleles (0.00037%); highest among the groups gnomAD compares: Non-Finnish European, 0.00051%; no homozygotes.

Submissions (4):

Ambry Genetics
Classification: Uncertain significance for Cardiovascular phenotype. Last evaluated: 2025-05-24. Review status: criteria provided, single submitter. Criteria: Ambry Variant Classification Scheme 2023. Collection method: clinical testing. Allele origin: germline.
Comment: The p.A731D variant (also known as c.2192C>A), located in coding exon 16 of the DSP gene, results from a C to A substitution at nucleotide position 2192. The alanine at codon 731 is replaced by aspartic acid, an amino acid with dissimilar properties. This amino acid position is conserved. In addition, this alteration is predicted to be tolerated by in silico analysis. Based on the available evidence, the clinical significance of this variant remains unclear.

Labcorp Genetics (formerly Invitae), Labcorp
Classification: Uncertain significance for Arrhythmogenic cardiomyopathy with wooly hair and keratoderma; Arrhythmogenic right ventricular dysplasia 8. Last evaluated: 2024-11-19. Review status: criteria provided, single submitter. Criteria: Invitae Variant Classification Sherloc (09022015). Collection method: clinical testing. Allele origin: germline.
Comment: This sequence change replaces alanine, which is neutral and non-polar, with aspartic acid, which is acidic and polar, at codon 731 of the DSP protein (p.Ala731Asp). This variant is present in population databases (no rsID available, gnomAD 0.007%). This variant has not been reported in the literature in individuals affected with DSP-related conditions. ClinVar contains an entry for this variant (Variation ID: 1063651). An algorithm developed to predict the effect of missense changes on protein structure and function (PolyPhen-2) suggests that this variant is likely to be disruptive. In summary, the available evidence is currently insufficient to determine the role of this variant in disease. Therefore, it has been classified as a Variant of Uncertain Significance.

Color Diagnostics, LLC DBA Color Health
Classification: Uncertain significance for Cardiomyopathy. Last evaluated: 2024-03-07. Review status: criteria provided, single submitter. Criteria: ACMG Guidelines, 2015. Collection method: clinical testing. Allele origin: germline.
Comment: This missense variant replaces alanine with aspartic acid at codon 731 of the DSP protein. Computational prediction suggests that this variant may not impact protein structure and function (internally defined REVEL score threshold <= 0.5, PMID: 27666373). To our knowledge, functional studies have not been reported for this variant. This variant has not been reported in individuals affected with cardiovascular disorders in the literature. This variant has been identified in 1/31398 chromosomes in the general population by the Genome Aggregation Database (gnomAD). The available evidence is insufficient to determine the role of this variant in disease conclusively. Therefore, this variant is classified as a Variant of Uncertain Significance.

All of Us Research Program, National Institutes of Health
Classification: Uncertain significance for Arrhythmogenic cardiomyopathy with wooly hair and keratoderma. Last evaluated: 2023-11-20. Review status: criteria provided, single submitter. Criteria: ACMG Guidelines, 2015. Collection method: clinical testing. Allele origin: germline. Inheritance: Autosomal dominant inheritance. Observed: 2 variant alleles, 2 heterozygotes.
Comment: This missense variant replaces alanine with aspartic acid at codon 731 of the DSP protein. Computational prediction suggests that this variant may not impact protein structure and function (internally defined REVEL score threshold <= 0.5, PMID: 27666373). To our knowledge, functional studies have not been reported for this variant. This variant has not been reported in individuals affected with cardiovascular disorders in the literature. This variant has been identified in 1/31398 chromosomes in the general population by the Genome Aggregation Database (gnomAD). The available evidence is insufficient to determine the role of this variant in disease conclusively. Therefore, this variant is classified as a Variant of Uncertain Significance.

This study involves interpretation of variants in research participants for the purpose of population health screening. Participant phenotype was not available at the time of variant classification. Additional details can be found in publication PMID: 35346344, PMCID: PMC8962531

NM_004415.4(DSP):c.2192C>A (p.Ala731Asp)

Gene: DSP (desmoplakin; plus strand). Cytogenetic location: 6p24.3.
Variant type: single nucleotide variant.
Coding change: c.2192C>A on transcript NM_004415.4 (MANE Select); coding-DNA position 2192, C replaced by A.
Protein change: p.Ala731Asp; replaces alanine 731 with aspartic acid.
Molecular consequence: missense variant.
Genome position (GRCh38, 1-based): chr6:7,574,147, C>A. VCF-style: chr6-7574147-C-A. GRCh37 (hg19) VCF-style: chr6-7574380-C-A.
Other names: c.2192C>A, p.Ala731Asp (NM_001008844.3, NM_001319034.2); short protein forms A731D.
Identifiers: ClinVar variation 1063651 (VCV001063651.15), dbSNP rs1280322841, ClinGen allele CA362680769.